The following is an entry in ClinVar:

ClinVar aggregate classification (germline): Conflicting classifications of pathogenicity. Review status: criteria provided, conflicting classifications (1 of 4 stars). 3 submissions from 3 submitters: Uncertain significance (2); Likely benign (1). Last evaluated 2024-09-20.

Conditions:
Van Maldergem syndrome 2 (VMLDS2). Identifiers: Orphanet 314679, MedGen C3809875, MONDO:0014242, OMIM 615546.
Hennekam lymphangiectasia-lymphedema syndrome 2 (HKLLS2). Identifiers: Orphanet 2136, MedGen C4014939, MONDO:0014454, OMIM 616006.

Allele frequency attached by ClinVar (database versions not stated): ExAC 0.00001; gnomAD exomes 0.00001.
gnomAD v4.1: 5 of 1,613,726 alleles (0.00031%); highest among the groups gnomAD compares: South Asian, 0.0044%; no homozygotes.

Submissions (3):

3billion
Classification: Likely benign for Van Maldergem syndrome 2; Hennekam lymphangiectasia-lymphedema syndrome 2. Last evaluated: 2024-09-20. Review status: criteria provided, single submitter. Criteria: ACMG Guidelines, 2015. Collection method: clinical testing. Allele origin: germline. Affected: no.
Comment: The homozygous variant was found in patients diagnosed with another variant in a different gene, with no symptoms related to the gene containing the homozygous variant.

Labcorp Genetics (formerly Invitae), Labcorp
Classification: Uncertain significance. Last evaluated: 2022-12-06. Review status: criteria provided, single submitter. Criteria: Invitae Variant Classification Sherloc (09022015). Collection method: clinical testing. Allele origin: germline.
Comment: Advanced modeling of protein sequence and biophysical properties (such as structural, functional, and spatial information, amino acid conservation, physicochemical variation, residue mobility, and thermodynamic stability) performed at Invitae indicates that this missense variant is not expected to disrupt FAT4 protein function. In summary, the available evidence is currently insufficient to determine the role of this variant in disease. Therefore, it has been classified as a Variant of Uncertain Significance. This sequence change replaces aspartic acid, which is acidic and polar, with tyrosine, which is neutral and polar, at codon 1213 of the FAT4 protein (p.Asp1213Tyr). This variant is present in population databases (rs762595829, gnomAD 0.006%). This variant has not been reported in the literature in individuals affected with FAT4-related conditions. ClinVar contains an entry for this variant (Variation ID: 1357337).

Laboratoire Génétique Moléculaire, CHRU TOURS
Classification: Uncertain significance for Van Maldergem syndrome 2. Last evaluated: 2022-04-13. Review status: criteria provided, single submitter. Criteria: ACMG Guidelines, 2015. Collection method: clinical testing. Allele origin: paternal.
Comment: PM2;PP3

NM_001291303.3(FAT4):c.3637G>T (p.Asp1213Tyr)

Gene: FAT4 (FAT atypical cadherin 4; plus strand). Cytogenetic location: 4q28.1.
Variant type: single nucleotide variant.
Coding change: c.3637G>T on transcript NM_001291303.3 (MANE Select); coding-DNA position 3637, G replaced by T.
Protein change: p.Asp1213Tyr; replaces aspartic acid 1213 with tyrosine.
Molecular consequence: missense variant.
Genome position (GRCh38, 1-based): chr4:125,320,048, G>T. VCF-style: chr4-125320048-G-T. GRCh37 (hg19) VCF-style: chr4-126241203-G-T.
Other names: c.3637G>T, p.Asp1213Tyr (NM_001291285.3, NM_024582.6); short protein forms D1213Y.
Identifiers: ClinVar variation 1357337 (VCV001357337.7), dbSNP rs762595829, ClinGen allele CA3072338.